The following is an entry in ClinVar:

ClinVar aggregate classification (germline): Benign/Likely benign. Review status: criteria provided, multiple submitters, no conflicts (2 of 4 stars). 3 submissions from 3 submitters: Benign (1); Likely benign (2). Last evaluated 2025-12-19.

Conditions:
Birt-Hogg-Dube syndrome 1 (BHD1). Also called: FIBROFOLLICULOMAS WITH TRICHODISCOMAS AND ACROCHORDONS. Identifiers: Orphanet 122, MedGen CN375946, MONDO:0800445, OMIM 135150.
Hereditary cancer-predisposing syndrome. Also called: Tumor predisposition; Neoplastic Syndromes, Hereditary; Hereditary Cancer Syndrome; Hereditary neoplastic syndrome. Identifiers: Orphanet 140162, MedGen C0027672, MeSH D009386, MONDO:0015356.
Birt-Hogg-Dube syndrome. Also called: Birt Hogg Dubé syndrome. Identifiers: Orphanet 122, MedGen C0346010, MONDO:0800444.

Submissions (3):

Labcorp Genetics (formerly Invitae), Labcorp
Classification: Likely benign for Birt-Hogg-Dube syndrome. Last evaluated: 2025-12-19. Review status: criteria provided, single submitter. Criteria: Invitae Variant Classification Sherloc (09022015). Collection method: clinical testing. Allele origin: germline.

Myriad Genetics, Inc.
Classification: Benign for Birt-Hogg-Dube syndrome 1. Last evaluated: 2024-10-22. Review status: criteria provided, single submitter. Criteria: Myriad Autosomal Dominant, Autosomal Recessive and X-Linked Classification Criteria (2023). Collection method: clinical testing. Allele origin: unknown.
Comment: This variant is considered benign. This variant is a silent/synonymous amino acid change and it is not expected to impact splicing.

Ambry Genetics
Classification: Likely benign for Hereditary cancer-predisposing syndrome. Last evaluated: 2023-08-25. Review status: criteria provided, single submitter. Criteria: Ambry Variant Classification Scheme 2023. Collection method: clinical testing. Allele origin: germline.

NM_144997.7(FLCN):c.447C>G (p.Gly149=)

Gene: FLCN (folliculin; minus strand). Cytogenetic location: 17p11.2.
Variant type: single nucleotide variant.
Coding change: c.447C>G on transcript NM_144997.7 (MANE Select); coding-DNA position 447, C replaced by G.
Protein change: p.Gly149=; no amino-acid change (glycine 149 retained).
Molecular consequence: synonymous variant.
Genome position (GRCh38, 1-based): chr17:17,224,093, G>C on the plus strand (C>G on the coding strand, the complement: FLCN is on the minus strand). VCF-style: chr17-17224093-G-C. GRCh37 (hg19) VCF-style: chr17-17127407-G-C.
Other names: c.501C>G, p.Gly167= (NM_001353229.2); c.447C>G, p.Gly149= (NM_001353230.2, NM_001353231.2, NM_144606.7).
Identifiers: ClinVar variation 2586506 (VCV002586506.5), dbSNP rs2544257042, ClinGen allele CA498166608.